The following is an entry in ClinVar:

NM_001271.4(CHD2):c.2179C>G (p.Gln727Glu)

Gene: CHD2 (chromodomain helicase DNA binding protein 2; plus strand). Cytogenetic location: 15q26.1.
Variant type: single nucleotide variant.
Coding change: c.2179C>G on transcript NM_001271.4 (MANE Select); coding-DNA position 2179, C replaced by G.
Protein change: p.Gln727Glu; replaces glutamine 727 with glutamic acid.
Molecular consequence: missense variant.
Genome position (GRCh38, 1-based): chr15:92,967,503, C>G. VCF-style: chr15-92967503-C-G. GRCh37 (hg19) VCF-style: chr15-93510733-C-G.
Other names: short protein forms Q727E.
Identifiers: ClinVar variation 3640939 (VCV003640939.2).

ClinVar aggregate classification (germline): Uncertain significance (1 of 4 stars; one submission).

Conditions:
Developmental and epileptic encephalopathy 94 (DEE94). Also called: Epileptic encephalopathy, childhood-onset; CHD2-Related Neurodevelopmental Disorders. Identifiers: Orphanet 1942, Orphanet 2382, MedGen C3809278, MONDO:0014150, OMIM 615369.

gnomAD v4.1: 4 of 1,613,202 alleles (0.00025%); highest among the groups gnomAD compares: Non-Finnish European, 0.00034%; no homozygotes.

Submission:

Labcorp Genetics (formerly Invitae), Labcorp
Classification: Uncertain significance for Developmental and epileptic encephalopathy 94. Last evaluated: 2024-06-29. Review status: criteria provided, single submitter. Criteria: Invitae Variant Classification Sherloc (09022015). Collection method: clinical testing. Allele origin: germline.
Comment: This sequence change replaces glutamine, which is neutral and polar, with glutamic acid, which is acidic and polar, at codon 727 of the CHD2 protein (p.Gln727Glu). This variant is not present in population databases (gnomAD no frequency). This variant has not been reported in the literature in individuals affected with CHD2-related conditions. Advanced modeling of protein sequence and biophysical properties (such as structural, functional, and spatial information, amino acid conservation, physicochemical variation, residue mobility, and thermodynamic stability) performed at Invitae indicates that this missense variant is not expected to disrupt CHD2 protein function with a negative predictive value of 95%. In summary, the available evidence is currently insufficient to determine the role of this variant in disease. Therefore, it has been classified as a Variant of Uncertain Significance.